The following is an entry in ClinVar:

NM_006922.4(SCN3A):c.4239+6T>C

Gene: SCN3A (sodium voltage-gated channel alpha subunit 3; minus strand). Cytogenetic location: 2q24.3.
Variant type: single nucleotide variant.
Coding change: c.4239+6T>C on transcript NM_006922.4 (MANE Select); 6 bases into the intron after coding-DNA position 4239, T replaced by C.
Molecular consequence: intron variant.
Genome position (GRCh38, 1-based): chr2:165,097,246, A>G on the plus strand (T>C on the coding strand, the complement: SCN3A is on the minus strand). VCF-style: chr2-165097246-A-G. GRCh37 (hg19) VCF-style: chr2-165953756-A-G.
Other names: c.4092+6T>C (NM_001081676.2, NM_001081677.2).
Identifiers: ClinVar variation 1438572 (VCV001438572.6), dbSNP rs199549688, ClinGen allele CA59712580.

ClinVar aggregate classification (germline): Uncertain significance (1 of 4 stars; one submission).

Allele frequency attached by ClinVar (database versions not stated): gnomAD exomes below 0.00001 and 0.00001; gnomAD 0.00002; TOPMed 0.00002.
gnomAD v4.1: 23 of 1,613,984 alleles (0.0014%); highest among the groups gnomAD compares: African/African-American, 0.0027%; no homozygotes.

Submission:

Labcorp Genetics (formerly Invitae), Labcorp
Classification: Uncertain significance. Last evaluated: 2025-02-15. Review status: criteria provided, single submitter. Criteria: Invitae Variant Classification Sherloc (09022015). Collection method: clinical testing. Allele origin: germline.
Comment: This sequence change falls in intron 23 of the SCN3A gene. It does not directly change the encoded amino acid sequence of the SCN3A protein. It affects a nucleotide within the consensus splice site. This variant is present in population databases (rs199549688, gnomAD 0.0009%). This variant has not been reported in the literature in individuals affected with SCN3A-related conditions. ClinVar contains an entry for this variant (Variation ID: 1438572). Variants that disrupt the consensus splice site are a relatively common cause of aberrant splicing (PMID: 17576681, 9536098). Algorithms developed to predict the effect of sequence changes on RNA splicing suggest that this variant may disrupt the consensus splice site. In summary, the available evidence is currently insufficient to determine the role of this variant in disease. Therefore, it has been classified as a Variant of Uncertain Significance.

Literature cited by the submitters: PubMed 17576681; PubMed 9536098.